The following is an entry in ClinVar:

ClinVar aggregate classification (germline): Uncertain significance (1 of 4 stars; one submission).

Submission:

GeneDx
Classification: Uncertain significance. Last evaluated: 2024-04-15. Review status: criteria provided, single submitter. Criteria: GeneDx Variant Classification Process June 2021. Collection method: clinical testing. Allele origin: germline. Affected: yes.
Comment: Not observed at significant frequency in large population cohorts (gnomAD); In silico analysis supports that this missense variant has a deleterious effect on protein structure/function; Has not been previously published as pathogenic or benign to our knowledge; This variant is associated with the following publications: (PMID: 17923109)

NM_013382.7(POMT2):c.451C>T (p.Leu151Phe)

Gene: POMT2 (protein O-mannosyltransferase 2; minus strand). Cytogenetic location: 14q24.3.
Variant type: single nucleotide variant.
Coding change: c.451C>T on transcript NM_013382.7 (MANE Select); coding-DNA position 451, C replaced by T.
Protein change: p.Leu151Phe; replaces leucine 151 with phenylalanine.
Molecular consequence: missense variant.
Genome position (GRCh38, 1-based): chr14:77,304,788, G>A on the plus strand (C>T on the coding strand, the complement: POMT2 is on the minus strand). VCF-style: chr14-77304788-G-A. GRCh37 (hg19) VCF-style: chr14-77771131-G-A.
Other names: short protein forms L151F.
Identifiers: ClinVar variation 3372617 (VCV003372617.1).
Genomic context (GRCh38, chr14:77,304,788, plus strand): 5'-AGAGGGACTTGGACAGATCCAGTACAGTGAGGTAGGCAAAGGGGACCAGCCAGGAGCCAA[G>A]GAATGCACAGAACTGTGGGAGGAATAGAGAAGCTGTCAAATAACAAGCTGAGCTAGGTCA-3'
Protein context (NP_037514.2, residues 141-161): YMGMRGFCAF[Leu151Phe]GSWLVPFAYL